The following is an entry in ClinVar:

ClinVar aggregate classification (germline): Likely benign. Review status: criteria provided, multiple submitters, no conflicts (2 of 4 stars). 3 submissions from 3 submitters: Likely benign (3). Last evaluated 2026-04-16.

Conditions:
Hereditary cancer-predisposing syndrome. Also called: Hereditary neoplastic syndrome; Tumor predisposition; Neoplastic Syndromes, Hereditary; Hereditary Cancer Syndrome. Identifiers: Orphanet 140162, MedGen C0027672, MeSH D009386, MONDO:0015356.
Neuroblastoma, susceptibility to, 3. Also called: ALK-Related Neuroblastic Tumor Susceptibility. Identifiers: Orphanet 635, MedGen C2751681, MONDO:0013083, OMIM 613014.

Allele frequency attached by ClinVar (database versions not stated): ExAC 0.00003; gnomAD 0.00005; TOPMed 0.00006.
gnomAD v4.1: 72 of 1,599,534 alleles (0.0045%); highest among the groups gnomAD compares: African/African-American, 0.0094%; no homozygotes.

Submissions (3):

Ambry Genetics
Classification: Likely benign for Hereditary cancer-predisposing syndrome. Last evaluated: 2026-04-16. Review status: criteria provided, single submitter. Criteria: Ambry Variant Classification Scheme 2023. Collection method: clinical testing. Allele origin: germline.

Labcorp Genetics (formerly Invitae), Labcorp
Classification: Likely benign for Neuroblastoma, susceptibility to, 3. Last evaluated: 2025-12-03. Review status: criteria provided, single submitter. Criteria: Invitae Variant Classification Sherloc (09022015). Collection method: clinical testing. Allele origin: germline.

CeGaT Center for Human Genetics Tuebingen
Classification: Likely benign. Last evaluated: 2025-03-01. Review status: criteria provided, single submitter. Criteria: CeGaT Center For Human Genetics Tuebingen Variant Classification Criteria Version 2. Collection method: clinical testing. Allele origin: germline. Affected: yes. Observed: 1 variant allele.
Comment: ALK: BP4, BP7

NM_004304.5(ALK):c.3081G>A (p.Pro1027=)

Gene: ALK (ALK receptor tyrosine kinase; minus strand). Cytogenetic location: 2p23.2.
Variant type: single nucleotide variant.
Coding change: c.3081G>A on transcript NM_004304.5 (MANE Select); coding-DNA position 3081, G replaced by A.
Protein change: p.Pro1027=; no amino-acid change (proline 1027 retained).
Molecular consequence: synonymous variant.
Genome position (GRCh38, 1-based): chr2:29,225,552, C>T on the plus strand (G>A on the coding strand, the complement: ALK is on the minus strand). VCF-style: chr2-29225552-C-T. GRCh37 (hg19) VCF-style: chr2-29448418-C-T.
Identifiers: ClinVar variation 470815 (VCV000470815.18), dbSNP rs747320964, ClinGen allele CA1594086.